The following is an entry in ClinVar:

ClinVar aggregate classification (germline): Uncertain significance (1 of 4 stars; one submission).

Submission:

GeneDx
Classification: Uncertain significance. Last evaluated: 2021-06-01. Review status: criteria provided, single submitter. Criteria: GeneDx Variant Classification Process June 2021. Collection method: clinical testing. Allele origin: germline. Affected: yes.
Comment: In silico analysis supports that this missense variant does not alter protein structure/function; Has not been previously published as pathogenic or benign to our knowledge; This variant is associated with the following publications: (PMID: 27535533)

NM_001715.3(BLK):c.139C>T (p.Leu47Phe)

Gene: BLK (BLK proto-oncogene, Src family tyrosine kinase). Cytogenetic location: 8p23.1.
Variant type: single nucleotide variant.
Coding change: c.139C>T on transcript NM_001715.3 (MANE Select); coding-DNA position 139, C replaced by T.
Protein change: p.Leu47Phe; replaces leucine 47 with phenylalanine.
Molecular consequence: missense variant. On other transcripts: 5 prime UTR variant (1).
Genome position (GRCh38, 1-based): chr8:11,546,067, C>T. VCF-style: chr8-11546067-C-T. GRCh37 (hg19) VCF-style: chr8-11403576-C-T.
Other names: c.-75C>T (NM_001330465.2); short protein forms L47F.
Identifiers: ClinVar variation 1327375 (VCV001327375.2), dbSNP rs202045056, ClinGen allele CA4629709.